The following is an entry in ClinVar:

NM_001848.3(COL6A1):c.1777-3C>T

Gene: COL6A1 (collagen type VI alpha 1 chain; plus strand). Cytogenetic location: 21q22.3.
Variant type: single nucleotide variant.
Coding change: c.1777-3C>T on transcript NM_001848.3 (MANE Select); 3 bases into the intron before coding-DNA position 1777, C replaced by T.
Molecular consequence: intron variant.
Genome position (GRCh38, 1-based): chr21:46,000,328, C>T. VCF-style: chr21-46000328-C-T. GRCh37 (hg19) VCF-style: chr21-47420242-C-T.
Identifiers: ClinVar variation 835832 (VCV000835832.12), dbSNP rs111263341, ClinGen allele CA10070568.

ClinVar aggregate classification (germline): Uncertain significance. Review status: criteria provided, multiple submitters, no conflicts (2 of 4 stars). 3 submissions from 3 submitters: Uncertain significance (3). Last evaluated 2026-06-01.

Conditions:
Bethlem myopathy 1A. Also called: Bethlem myopathy 1; MYOPATHY, BENIGN CONGENITAL, WITH CONTRACTURES; Bethlem Muscular Dystrophy. Identifiers: Orphanet 610, MedGen CN029274, MONDO:0024530, OMIM 158810.

Allele frequency attached by ClinVar (database versions not stated): ExAC 0.00006; gnomAD 0.00007 and 0.00008; gnomAD exomes 0.00007 and 0.00015; TOPMed 0.00008.

Submissions (3):

CeGaT Center for Human Genetics Tuebingen
Classification: Uncertain significance. Last evaluated: 2026-06-01. Review status: criteria provided, single submitter. Criteria: CeGaT Center For Human Genetics Tuebingen Variant Classification Criteria Version 2. Collection method: clinical testing. Allele origin: germline. Affected: yes. Observed: 1 variant allele.
Comment: COL6A1: PM2, BP4

Labcorp Genetics (formerly Invitae), Labcorp
Classification: Uncertain significance for Bethlem myopathy 1A. Last evaluated: 2025-07-16. Review status: criteria provided, single submitter. Criteria: Invitae Variant Classification Sherloc (09022015). Collection method: clinical testing. Allele origin: germline.
Comment: This sequence change falls in intron 27 of the COL6A1 gene. It does not directly change the encoded amino acid sequence of the COL6A1 protein. It affects a nucleotide within the consensus splice site. This variant is present in population databases (rs111263341, gnomAD 0.02%). This variant has not been reported in the literature in individuals affected with COL6A1-related conditions. ClinVar contains an entry for this variant (Variation ID: 835832). Variants that disrupt the consensus splice site are a relatively common cause of aberrant splicing (PMID: 17576681, 9536098). Algorithms developed to predict the effect of sequence changes on RNA splicing suggest that this variant is not likely to affect RNA splicing. In summary, the available evidence is currently insufficient to determine the role of this variant in disease. Therefore, it has been classified as a Variant of Uncertain Significance.

Revvity Omics, Revvity
Classification: Uncertain significance. Last evaluated: 2019-11-18. Review status: criteria provided, single submitter. Criteria: ACMG Guidelines, 2015. Collection method: clinical testing. Allele origin: germline.

Literature cited by the submitters: PubMed 17576681 (cited by Labcorp Genetics (formerly Invitae), Labcorp); PubMed 9536098 (cited by Labcorp Genetics (formerly Invitae), Labcorp).